The following is an entry in ClinVar:

ClinVar aggregate classification (germline): Likely pathogenic (1 of 4 stars; one submission).

Submission:

Labcorp Genetics (formerly Invitae), Labcorp
Classification: Likely pathogenic. Last evaluated: 2022-01-07. Review status: criteria provided, single submitter. Criteria: Invitae Variant Classification Sherloc (09022015). Collection method: clinical testing. Allele origin: germline.
Comment: In summary, the currently available evidence indicates that the variant is pathogenic, but additional data are needed to prove that conclusively. Therefore, this variant has been classified as Likely Pathogenic. Algorithms developed to predict the effect of missense changes on protein structure and function (SIFT, PolyPhen-2, Align-GVGD) all suggest that this variant is likely to be disruptive. This missense change has been observed in individual(s) with clinical features of RORB-related conditions (Invitae). In at least one individual the variant was observed to be de novo. This variant is not present in population databases (gnomAD no frequency). This sequence change replaces threonine, which is neutral and polar, with isoleucine, which is neutral and non-polar, at codon 226 of the RORB protein (p.Thr226Ile).

NM_006914.4(RORB):c.677C>T (p.Thr226Ile)

Gene: RORB (RAR related orphan receptor B; plus strand). Cytogenetic location: 9q21.13.
Variant type: single nucleotide variant.
Coding change: c.677C>T on transcript NM_006914.4 (MANE Select); coding-DNA position 677, C replaced by T.
Protein change: p.Thr226Ile; replaces threonine 226 with isoleucine.
Molecular consequence: missense variant.
Genome position (GRCh38, 1-based): chr9:74,660,656, C>T. VCF-style: chr9-74660656-C-T. GRCh37 (hg19) VCF-style: chr9-77275572-C-T.
Other names: c.710C>T, p.Thr237Ile (NM_001365023.1); short protein forms T226I, T237I.
Identifiers: ClinVar variation 1443842 (VCV001443842.6), dbSNP rs2118510942, ClinGen allele CA373770437.